The following is an entry in ClinVar:

ClinVar aggregate classification (germline): Uncertain significance. Review status: criteria provided, multiple submitters, no conflicts (2 of 4 stars). 2 submissions from 2 submitters: Uncertain significance (2). Last evaluated 2026-09-23.

Conditions:
CEACAM16-related disorder. Also called: CEACAM16-related condition.
Inborn genetic diseases. Identifiers: MedGen C0950123, MeSH D030342.

gnomAD v4.1: 6 of 1,611,342 alleles (0.00037%); highest among the groups gnomAD compares: African/African-American, 0.0067%; no homozygotes.

Submissions (2):

PreventionGenetics, part of Exact Sciences
Classification: Uncertain significance for CEACAM16-related condition. Last evaluated: 2026-09-23. Review status: criteria provided, single submitter. Criteria: ACMG Guidelines, 2015. Collection method: clinical testing. Allele origin: germline.
Comment: The CEACAM16 c.931A>G variant is predicted to result in the amino acid substitution p.Lys311Glu. To our knowledge, this variant has not been reported in the literature. This variant is reported in 0.012% of alleles in individuals of African descent in gnomAD. At this time, the clinical significance of this variant is uncertain due to the absence of conclusive functional and genetic evidence.

Ambry Genetics
Classification: Uncertain significance for Inborn genetic diseases. Last evaluated: 2025-11-26. Review status: criteria provided, single submitter. Criteria: Ambry Variant Classification Scheme 2023. Collection method: clinical testing. Allele origin: germline.

NM_001039213.4(CEACAM16):c.931A>G (p.Lys311Glu)

Genes: CEACAM16 (CEA cell adhesion molecule 16, tectorial membrane component; plus strand), CEACAM16-AS1 (CEACAM16, CEACAM19 and PVR antisense RNA 1; minus strand). Cytogenetic location: 19q13.32.
Variant type: single nucleotide variant.
Coding change: c.931A>G on transcript NM_001039213.4 (MANE Select); coding-DNA position 931, A replaced by G.
Protein change: p.Lys311Glu; replaces lysine 311 with glutamic acid.
Molecular consequence: missense variant.
Genome position (GRCh38, 1-based): chr19:44,705,859, A>G. VCF-style: chr19-44705859-A-G. GRCh37 (hg19) VCF-style: chr19-45209129-A-G.
Other names: c.931A>G (NM_001039213.3); short protein forms K311E.
Identifiers: ClinVar variation 4610748 (VCV004610748.2).